The following is an entry in ClinVar:

NM_000264.5(PTCH1):c.1381G>A (p.Asp461Asn)

Gene: PTCH1 (patched 1; minus strand). Cytogenetic location: 9q22.32.
Variant type: single nucleotide variant.
Coding change: c.1381G>A on transcript NM_000264.5 (MANE Select); coding-DNA position 1381, G replaced by A.
Protein change: p.Asp461Asn; replaces aspartic acid 461 with asparagine.
Molecular consequence: missense variant. On other transcripts: intron variant (1), non-coding transcript variant (1).
Genome position (GRCh38, 1-based): chr9:95,477,669, C>T on the plus strand (G>A on the coding strand, the complement: PTCH1 is on the minus strand). VCF-style: chr9-95477669-C-T. GRCh37 (hg19) VCF-style: chr9-98239951-C-T.
Other names: c.1347+386G>A (NM_001354918.2); c.1183G>A, p.Asp395Asn (NM_001083602.3); c.1378G>A, p.Asp460Asn (NM_001083603.3); c.928G>A, p.Asp310Asn (NM_001083604.3, NM_001083605.3, NM_001083606.3 and 1 more transcripts); short protein forms D395N, D310N, D461N, D460N.
Identifiers: ClinVar variation 2701403 (VCV002701403.4), dbSNP rs750404832, ClinGen allele CA5138663.

ClinVar aggregate classification (germline): Conflicting classifications of pathogenicity. Review status: criteria provided, conflicting classifications (1 of 4 stars). 2 submissions from 2 submitters: Uncertain significance (1); Likely benign (1). Last evaluated 2025-05-22.

Conditions:
Hereditary cancer-predisposing syndrome. Also called: Hereditary Cancer Syndrome; Hereditary neoplastic syndrome; Neoplastic Syndromes, Hereditary; Tumor predisposition. Identifiers: Orphanet 140162, MedGen C0027672, MeSH D009386, MONDO:0015356.
Gorlin syndrome. Also called: Nevoid Basal Cell Carcinoma Syndrome; Basal cell nevus syndrome. Identifiers: Orphanet 377, MedGen C0004779, MONDO:0007187.

Allele frequency attached by ClinVar (database versions not stated): gnomAD exomes below 0.00001; ExAC 0.00001; gnomAD 0.00001.

Submissions (2):

Labcorp Genetics (formerly Invitae), Labcorp
Classification: Likely benign for Gorlin syndrome. Last evaluated: 2025-05-22. Review status: criteria provided, single submitter. Criteria: Invitae Variant Classification Sherloc (09022015). Collection method: clinical testing. Allele origin: germline.

Ambry Genetics
Classification: Uncertain significance for Hereditary cancer-predisposing syndrome. Last evaluated: 2025-03-01. Review status: criteria provided, single submitter. Criteria: Ambry Variant Classification Scheme 2023. Collection method: clinical testing. Allele origin: germline.
Comment: The p.D461N variant (also known as c.1381G>A), located in coding exon 10 of the PTCH1 gene, results from a G to A substitution at nucleotide position 1381. The aspartic acid at codon 461 is replaced by asparagine, an amino acid with highly similar properties. This amino acid position is highly conserved in available vertebrate species. In addition, the in silico prediction for this alteration is inconclusive. Based on the available evidence, the clinical significance of this variant remains unclear.